The following is an entry in ClinVar:

ClinVar aggregate classification (germline): Uncertain significance (1 of 4 stars; one submission).

Conditions:
Leber congenital amaurosis 12 (LCA12). Identifiers: Orphanet 65, MedGen C1857743, MONDO:0012525, OMIM 610612.

Submission:

Labcorp Genetics (formerly Invitae), Labcorp
Classification: Uncertain significance for Leber congenital amaurosis 12. Last evaluated: 2021-02-08. Review status: criteria provided, single submitter. Criteria: Invitae Variant Classification Sherloc (09022015). Collection method: clinical testing. Allele origin: germline.
Comment: This variant is not present in population databases (ExAC no frequency). This sequence change replaces serine with phenylalanine at codon 69 of the RD3 protein (p.Ser69Phe). The serine residue is weakly conserved and there is a large physicochemical difference between serine and phenylalanine. This variant has not been reported in the literature in individuals with RD3-related conditions. In summary, the available evidence is currently insufficient to determine the role of this variant in disease. Therefore, it has been classified as a Variant of Uncertain Significance. Algorithms developed to predict the effect of missense changes on protein structure and function (SIFT, PolyPhen-2, Align-GVGD) all suggest that this variant is likely to be tolerated, but these predictions have not been confirmed by published functional studies and their clinical significance is uncertain.

NM_001164688.2(RD3):c.206C>T (p.Ser69Phe)

Gene: RD3 (RD3 regulator of GUCY2D; minus strand). Cytogenetic location: 1q32.3.
Variant type: single nucleotide variant.
Coding change: c.206C>T on transcript NM_001164688.2 (MANE Select); coding-DNA position 206, C replaced by T.
Protein change: p.Ser69Phe; replaces serine 69 with phenylalanine.
Molecular consequence: missense variant.
Genome position (GRCh38, 1-based): chr1:211,481,210, G>A on the plus strand (C>T on the coding strand, the complement: RD3 is on the minus strand). VCF-style: chr1-211481210-G-A. GRCh37 (hg19) VCF-style: chr1-211654552-G-A.
Other names: c.206C>T, p.Ser69Phe (NM_183059.3); short protein forms S69F.
Identifiers: ClinVar variation 1370807 (VCV001370807.8), dbSNP rs2102367767, ClinGen allele CA344879339.